The following is an entry in ClinVar:

NC_000023.10:g.(?_110576259)_(110576401_?)del

Gene: DCX (doublecortin; minus strand). Cytogenetic location: Xq23.
Variant type: Deletion.
Identifiers: ClinVar variation 2427564 (VCV002427564.4).

ClinVar aggregate classification (germline): Pathogenic (1 of 4 stars; one submission).

Submission:

Labcorp Genetics (formerly Invitae), Labcorp
Classification: Pathogenic. Last evaluated: 2022-08-16. Review status: criteria provided, single submitter. Criteria: Invitae Variant Classification Sherloc (09022015). Collection method: clinical testing. Allele origin: germline.
Comment: For these reasons, this variant has been classified as Pathogenic. This variant has not been reported in the literature in individuals affected with DCX-related conditions. This variant is a gross deletion of the genomic region encompassing exon(s) 4 of the DCX gene. This deletion is out-of-frame, and is expected to create a premature termination codon and result in an absent or disrupted protein product. Loss-of-function variants in DCX are known to be pathogenic (PMID: 11175293, 23365099).

Literature cited by the submitters: PubMed 11175293; PubMed 23365099.